The following is an entry in ClinVar:

NM_004056.6(CA8):c.724A>G (p.Ile242Val)

Gene: CA8 (carbonic anhydrase 8; minus strand). Cytogenetic location: 8q12.1.
Variant type: single nucleotide variant.
Coding change: c.724A>G on transcript NM_004056.6 (MANE Select); coding-DNA position 724, A replaced by G.
Protein change: p.Ile242Val; replaces isoleucine 242 with valine.
Molecular consequence: missense variant. On other transcripts: non-coding transcript variant (1).
Genome position (GRCh38, 1-based): chr8:60,222,663, T>C on the plus strand (A>G on the coding strand, the complement: CA8 is on the minus strand). VCF-style: chr8-60222663-T-C. GRCh37 (hg19) VCF-style: chr8-61135222-T-C.
Other names: c.724A>G, p.Ile242Val (NM_001321837.2, NM_001321838.2, NM_001412131.1); c.628A>G, p.Ile210Val (NM_001321839.2); short protein forms I242V, I210V.
Identifiers: ClinVar variation 1757896 (VCV001757896.2), dbSNP rs138405228, ClinGen allele CA4758784.

ClinVar aggregate classification (germline): Uncertain significance (1 of 4 stars; one submission).

Conditions:
Inborn genetic diseases. Identifiers: MedGen C0950123, MeSH D030342.

Allele frequency attached by ClinVar (database versions not stated): gnomAD exomes 0.00032; TOPMed 0.00032; gnomAD 0.00033; ExAC 0.00034; ESP Exome Variant Server 0.00046; 1000 Genomes Project 30x 0.00047; 1000 Genomes Project 0.00060.
gnomAD v4.1: 506 of 1,599,648 alleles (0.032%); highest among the groups gnomAD compares: Non-Finnish European, 0.038%; no homozygotes.

Submission:

Ambry Genetics
Classification: Uncertain significance for Inborn genetic diseases. Last evaluated: 2017-10-14. Review status: criteria provided, single submitter. Criteria: Ambry Variant Classification Scheme 2023. Collection method: clinical testing. Allele origin: germline.
Comment: The p.I242V variant (also known as c.724A>G), located in coding exon 7 of the CA8 gene, results from an A to G substitution at nucleotide position 724. The isoleucine at codon 242 is replaced by valine, an amino acid with highly similar properties. This amino acid position is not well conserved in available vertebrate species, and valine is the reference amino acid in other vertebrate species. In addition, this alteration is predicted to be tolerated by in silico analysis. Since supporting evidence is limited at this time, the clinical significance of this alteration remains unclear.